The following is an entry in ClinVar:

ClinVar aggregate classification (germline): Uncertain significance (1 of 4 stars; one submission).

Allele frequency attached by ClinVar (database versions not stated): gnomAD exomes 0.00001; TOPMed 0.00001; ExAC 0.00002.

Submission:

Labcorp Genetics (formerly Invitae), Labcorp
Classification: Uncertain significance. Last evaluated: 2021-08-15. Review status: criteria provided, single submitter. Criteria: Invitae Variant Classification Sherloc (09022015). Collection method: clinical testing. Allele origin: germline.
Comment: In summary, the available evidence is currently insufficient to determine the role of this variant in disease. Therefore, it has been classified as a Variant of Uncertain Significance. Algorithms developed to predict the effect of missense changes on protein structure and function (SIFT, PolyPhen-2, Align-GVGD) all suggest that this variant is likely to be disruptive. This variant has not been reported in the literature in individuals affected with BMPER-related conditions. This variant is present in population databases (rs777105677, ExAC 0.003%). This sequence change replaces arginine with cysteine at codon 505 of the BMPER protein (p.Arg505Cys). The arginine residue is highly conserved and there is a large physicochemical difference between arginine and cysteine.

NM_001365308.1(BMPER):c.1513C>T (p.Arg505Cys)

Gene: BMPER (BMP binding endothelial regulator; plus strand). Cytogenetic location: 7p14.3.
Variant type: single nucleotide variant.
Coding change: c.1513C>T on transcript NM_001365308.1 (MANE Select); coding-DNA position 1513, C replaced by T.
Protein change: p.Arg505Cys; replaces arginine 505 with cysteine.
Molecular consequence: missense variant.
Genome position (GRCh38, 1-based): chr7:34,085,860, C>T. VCF-style: chr7-34085860-C-T. GRCh37 (hg19) VCF-style: chr7-34125472-C-T.
Other names: c.1513C>T, p.Arg505Cys (NM_133468.5); short protein forms R505C.
Identifiers: ClinVar variation 1398881 (VCV001398881.8), dbSNP rs777105677, ClinGen allele CA4215429.